The following is an entry in ClinVar:

ClinVar aggregate classification (germline): Likely benign (0 of 4 stars; one submission).

Conditions:
GIT1-related disorder. Also called: GIT1-related condition.

Allele frequency attached by ClinVar (database versions not stated): gnomAD exomes 0.00002; ExAC 0.00003; gnomAD 0.00003; TOPMed 0.00005.
gnomAD v4.1: 36 of 1,612,446 alleles (0.0022%); highest among the groups gnomAD compares: Admixed American, 0.05%; no homozygotes.

Submission:

PreventionGenetics, part of Exact Sciences
Classification: Likely benign for GIT1-related condition. Last evaluated: 2020-05-21. Review status: no assertion criteria provided. Collection method: clinical testing. Allele origin: germline.
Comment: This variant is classified as likely benign based on ACMG/AMP sequence variant interpretation guidelines (Richards et al. 2015 PMID: 25741868, with internal and published modifications).

NM_014030.4(GIT1):c.1866A>G (p.Glu622=)

Genes: GIT1 (GIT ArfGAP 1; minus strand), TP53I13 (tumor protein p53 inducible protein 13; plus strand). Cytogenetic location: 17q11.2.
Variant type: single nucleotide variant.
Coding change: c.1866A>G on transcript NM_014030.4 (MANE Select); coding-DNA position 1866, A replaced by G.
Protein change: p.Glu622=; no amino-acid change (glutamic acid 622 retained).
Molecular consequence: synonymous variant.
Genome position (GRCh38, 1-based): chr17:29,575,431, T>C on the plus strand (A>G on the coding strand, the complement: GIT1 is on the minus strand). VCF-style: chr17-29575431-T-C. GRCh37 (hg19) VCF-style: chr17-27902449-T-C.
Other names: c.1893A>G, p.Glu631= (NM_001085454.2).
Identifiers: ClinVar variation 3054246 (VCV003054246.2), dbSNP rs768782252, ClinGen allele CA8475851.